The following is an entry in ClinVar:

NM_000529.2(MC2R):c.*1896C>T

Gene: MC2R (melanocortin 2 receptor; minus strand). Cytogenetic location: 18p11.21.
Variant type: single nucleotide variant.
Coding change: c.*1896C>T on transcript NM_000529.2 (MANE Select); 1896 bases downstream of the stop codon, C replaced by T.
Molecular consequence: 3 prime UTR variant.
Genome position (GRCh38, 1-based): chr18:13,882,729, G>A on the plus strand (C>T on the coding strand, the complement: MC2R is on the minus strand). VCF-style: chr18-13882729-G-A. GRCh37 (hg19) VCF-style: chr18-13882728-G-A.
Other names: c.*1896C>T (NM_001291911.1).
Identifiers: ClinVar variation 326132 (VCV000326132.6), dbSNP rs28926188, ClinGen allele CA10650557.

ClinVar aggregate classification (germline): Benign. Review status: criteria provided, multiple submitters, no conflicts (2 of 4 stars). 2 submissions from 2 submitters: Benign (2). Last evaluated 2018-01-13.

Conditions:
Glucocorticoid deficiency 1 (GCCD1). Also called: FAMILIAL GLUCOCORTICOID DEFICIENCY 1; Adrenal unresponsiveness to acth; Glucocorticoid deficiency, due to ACTH unresponsiveness. Identifiers: Orphanet 361, MedGen C4049650, MONDO:0024536, OMIM 202200.

Allele frequency attached by ClinVar (database versions not stated): gnomAD 0.11683 and 0.11947; TOPMed 0.13126; 1000 Genomes Project 0.15136; 1000 Genomes Project 30x 0.15256.

Submissions (2):

Illumina Laboratory Services, Illumina
Classification: Benign for Glucocorticoid deficiency 1. Last evaluated: 2018-01-13. Review status: criteria provided, single submitter. Criteria: ICSL Variant Classification Criteria 13 December 2019. Collection method: clinical testing. Allele origin: germline.
Comment: This variant was observed in the ICSL laboratory as part of a predisposition screen in an ostensibly healthy population. It had not been previously curated by ICSL or reported in the Human Gene Mutation Database (HGMD: prior to June 1st, 2018), and was therefore a candidate for classification through an automated scoring system. Utilizing variant allele frequency, disease prevalence and penetrance estimates, and inheritance mode, an automated score was calculated to assess if this variant is too frequent to cause the disease. Based on the score and internal cut-off values, a variant classified as benign is not then subjected to further curation. The score for this variant resulted in a classification of benign for this disease.

Breakthrough Genomics
Classification: Benign. Review status: criteria provided, single submitter. Criteria: ACMG Guidelines, 2015. Collection method: not provided. Allele origin: germline. Inheritance: Autosomal recessive inheritance. Affected: yes.